The following is an entry in ClinVar:

ClinVar aggregate classification (germline): Uncertain significance. Review status: criteria provided, multiple submitters, no conflicts (2 of 4 stars). 2 submissions from 2 submitters: Uncertain significance (2). Last evaluated 2025-08-08.

Conditions:
Renal cell carcinoma. Identifiers: Orphanet 217071, MedGen C0007134, MeSH D002292, MONDO:0005086, HP:0005584.
Hereditary cancer-predisposing syndrome. Also called: Hereditary Cancer Syndrome; Tumor predisposition; Neoplastic Syndromes, Hereditary; Hereditary neoplastic syndrome. Identifiers: Orphanet 140162, MedGen C0027672, MeSH D009386, MONDO:0015356.

Allele frequency attached by ClinVar (database versions not stated): gnomAD exomes 0.00001.
gnomAD v4.1: 6 of 1,613,874 alleles (0.00037%); highest among the groups gnomAD compares: Non-Finnish European, 0.00051%; no homozygotes.

Submissions (2):

Ambry Genetics
Classification: Uncertain significance for Hereditary cancer-predisposing syndrome. Last evaluated: 2025-08-08. Review status: criteria provided, single submitter. Criteria: Ambry Variant Classification Scheme 2023. Collection method: clinical testing. Allele origin: germline.
Comment: The p.V1002I variant (also known as c.3004G>A), located in coding exon 13 of the MET gene, results from a G to A substitution at nucleotide position 3004. The valine at codon 1002 is replaced by isoleucine, an amino acid with highly similar properties. This amino acid position is conserved. In addition, this alteration is predicted to be tolerated by in silico analysis. Based on the available evidence, the clinical significance of this variant remains unclear.

Labcorp Genetics (formerly Invitae), Labcorp
Classification: Uncertain significance for Renal cell carcinoma. Last evaluated: 2022-12-08. Review status: criteria provided, single submitter. Criteria: Invitae Variant Classification Sherloc (09022015). Collection method: clinical testing. Allele origin: germline.
Comment: In summary, the available evidence is currently insufficient to determine the role of this variant in disease. Therefore, it has been classified as a Variant of Uncertain Significance. Advanced modeling of protein sequence and biophysical properties (such as structural, functional, and spatial information, amino acid conservation, physicochemical variation, residue mobility, and thermodynamic stability) performed at Invitae indicates that this missense variant is not expected to disrupt MET protein function. ClinVar contains an entry for this variant (Variation ID: 1016629). This variant has not been reported in the literature in individuals affected with MET-related conditions. This variant is not present in population databases (gnomAD no frequency). This sequence change replaces valine, which is neutral and non-polar, with isoleucine, which is neutral and non-polar, at codon 1002 of the MET protein (p.Val1002Ile).

NM_000245.4(MET):c.2950G>A (p.Val984Ile)

Gene: MET (MET proto-oncogene, receptor tyrosine kinase; plus strand). Cytogenetic location: 7q31.2.
Variant type: single nucleotide variant.
Coding change: c.2950G>A on transcript NM_000245.4 (MANE Select); coding-DNA position 2950, G replaced by A.
Protein change: p.Val984Ile; replaces valine 984 with isoleucine.
Molecular consequence: missense variant.
Genome position (GRCh38, 1-based): chr7:116,771,911, G>A. VCF-style: chr7-116771911-G-A. GRCh37 (hg19) VCF-style: chr7-116411965-G-A.
Other names: c.3004G>A (NM_001127500.1); c.3004G>A, p.Val1002Ile (NM_001127500.3); c.1660G>A, p.Val554Ile (NM_001324402.2); short protein forms V1002I, V554I, V984I.
Identifiers: ClinVar variation 1016629 (VCV001016629.9), dbSNP rs1258377870, ClinGen allele CA368987170.
Genomic context (GRCh38, chr7:116,771,911, plus strand): 5'-CTGGGCAGTGAATTAGTTCGCTACGATGCAAGAGTACACACTCCTCATTTGGATAGGCTT[G>A]TAAGTGCCCGAAGTGTAAGCCCAACTACAGAAATGGTTTCAAATGAATCTGTAGACTACC-3'
Protein context (NP_000236.2, residues 974-994): RVHTPHLDRL[Val984Ile]SARSVSPTTE